The following is an entry in ClinVar:

NM_133642.5(LARGE1):c.606C>G (p.Asp202Glu)

Gene: LARGE1 (LARGE xylosyl- and glucuronyltransferase 1; minus strand). Cytogenetic location: 22q12.3.
Variant type: single nucleotide variant.
Coding change: c.606C>G on transcript NM_133642.5 (MANE Select); coding-DNA position 606, C replaced by G.
Protein change: p.Asp202Glu; replaces aspartic acid 202 with glutamic acid.
Molecular consequence: missense variant.
Genome position (GRCh38, 1-based): chr22:33,604,444, G>C on the plus strand (C>G on the coding strand, the complement: LARGE1 is on the minus strand). VCF-style: chr22-33604444-G-C. GRCh37 (hg19) VCF-style: chr22-34000430-G-C.
Other names: c.606C>G, p.Asp202Glu (NM_001362949.2, NM_001362951.2, NM_001362953.2 and 7 more transcripts); short protein forms D202E.
Identifiers: ClinVar variation 1348235 (VCV001348235.5), dbSNP rs759394642, ClinGen allele CA411546643.

ClinVar aggregate classification (germline): Uncertain significance (1 of 4 stars; one submission).

Conditions:
Muscular dystrophy-dystroglycanopathy type B6 (MDDGB6). Also called: MUSCULAR DYSTROPHY-DYSTROGLYCANOPATHY (CONGENITAL WITH IMPAIRED INTELLECTUAL DEVELOPMENT), TYPE B, 6; MUSCULAR DYSTROPHY, CONGENITAL, LARGE-RELATED; MUSCULAR DYSTROPHY, CONGENITAL, TYPE 1D. Identifiers: MedGen C1837229, MONDO:0012138, OMIM 608840.

Submission:

Labcorp Genetics (formerly Invitae), Labcorp
Classification: Uncertain significance for Muscular dystrophy-dystroglycanopathy type B6. Last evaluated: 2022-07-19. Review status: criteria provided, single submitter. Criteria: Invitae Variant Classification Sherloc (09022015). Collection method: clinical testing. Allele origin: germline.
Comment: This sequence change replaces aspartic acid, which is acidic and polar, with glutamic acid, which is acidic and polar, at codon 202 of the LARGE1 protein (p.Asp202Glu). This variant is not present in population databases (gnomAD no frequency). This variant has not been reported in the literature in individuals affected with LARGE1-related conditions. ClinVar contains an entry for this variant (Variation ID: 1348235). Algorithms developed to predict the effect of missense changes on protein structure and function output the following: SIFT: "Tolerated"; PolyPhen-2: "Benign"; Align-GVGD: "Class C0". The glutamic acid amino acid residue is found in multiple mammalian species, which suggests that this missense change does not adversely affect protein function. In summary, the available evidence is currently insufficient to determine the role of this variant in disease. Therefore, it has been classified as a Variant of Uncertain Significance.